The following is an entry in ClinVar:

NM_020184.4(CNNM4):c.2313C>A (p.His771Gln)

Gene: CNNM4 (cyclin and CBS domain divalent metal cation transport mediator 4; plus strand). Cytogenetic location: 2q11.2.
Variant type: single nucleotide variant.
Coding change: c.2313C>A on transcript NM_020184.4 (MANE Select); coding-DNA position 2313, C replaced by A.
Protein change: p.His771Gln; replaces histidine 771 with glutamine.
Molecular consequence: missense variant.
Genome position (GRCh38, 1-based): chr2:96,809,502, C>A. VCF-style: chr2-96809502-C-A. GRCh37 (hg19) VCF-style: chr2-97475239-C-A.
Other names: short protein forms H771Q.
Identifiers: ClinVar variation 1982754 (VCV001982754.4), dbSNP rs766430198, ClinGen allele CA347710034.

ClinVar aggregate classification (germline): Uncertain significance (1 of 4 stars; one submission).

Submission:

Labcorp Genetics (formerly Invitae), Labcorp
Classification: Uncertain significance. Last evaluated: 2022-03-04. Review status: criteria provided, single submitter. Criteria: Invitae Variant Classification Sherloc (09022015). Collection method: clinical testing. Allele origin: germline.
Comment: In summary, the available evidence is currently insufficient to determine the role of this variant in disease. Therefore, it has been classified as a Variant of Uncertain Significance. Algorithms developed to predict the effect of missense changes on protein structure and function output the following: SIFT: "Tolerated"; PolyPhen-2: "Benign"; Align-GVGD: "Class C0". The glutamine amino acid residue is found in multiple mammalian species, which suggests that this missense change does not adversely affect protein function. This variant has not been reported in the literature in individuals affected with CNNM4-related conditions. This variant is not present in population databases (gnomAD no frequency). This sequence change replaces histidine, which is basic and polar, with glutamine, which is neutral and polar, at codon 771 of the CNNM4 protein (p.His771Gln).